The following is an entry in ClinVar:

ClinVar aggregate classification (germline): Uncertain significance. Review status: criteria provided, multiple submitters, no conflicts (2 of 4 stars). 2 submissions from 2 submitters: Uncertain significance (2). Last evaluated 2025-11-27.

Conditions:
Parathyroid carcinoma (PRTC). Also called: CDC73-Related Parathyroid Carcinoma; Parathyroid gland carcinoma. Identifiers: Orphanet 143, MedGen C0687150, MONDO:0012004, OMIM 608266, HP:0006780.
Hereditary cancer-predisposing syndrome. Also called: Neoplastic Syndromes, Hereditary; Tumor predisposition; Hereditary Cancer Syndrome; Hereditary neoplastic syndrome. Identifiers: Orphanet 140162, MedGen C0027672, MeSH D009386, MONDO:0015356.

Allele frequency attached by ClinVar (database versions not stated): gnomAD exomes below 0.00001 and 0.00001; TOPMed below 0.00001.
gnomAD v4.1: 8 of 1,613,720 alleles (0.0005%); highest among the groups gnomAD compares: African/African-American, 0.0013%; no homozygotes.

Submissions (2):

Labcorp Genetics (formerly Invitae), Labcorp
Classification: Uncertain significance for Parathyroid carcinoma. Last evaluated: 2025-11-27. Review status: criteria provided, single submitter. Criteria: Invitae Variant Classification Sherloc (09022015). Collection method: clinical testing. Allele origin: germline.
Comment: This sequence change replaces proline, which is neutral and non-polar, with arginine, which is basic and polar, at codon 335 of the CDC73 protein (p.Pro335Arg). This variant is present in population databases (no rsID available, gnomAD 0.007%). This variant has not been reported in the literature in individuals affected with CDC73-related conditions. ClinVar contains an entry for this variant (Variation ID: 652321). Invitae Evidence Modeling of protein sequence and biophysical properties (such as structural, functional, and spatial information, amino acid conservation, physicochemical variation, residue mobility, and thermodynamic stability) indicates that this missense variant is not expected to disrupt CDC73 protein function with a negative predictive value of 80%. In summary, the available evidence is currently insufficient to determine the role of this variant in disease. Therefore, it has been classified as a Variant of Uncertain Significance.

Ambry Genetics
Classification: Uncertain significance for Hereditary cancer-predisposing syndrome. Last evaluated: 2024-05-07. Review status: criteria provided, single submitter. Criteria: Ambry Variant Classification Scheme 2023. Collection method: clinical testing. Allele origin: germline.
Comment: The p.P335R variant (also known as c.1004C>G), located in coding exon 11 of the CDC73 gene, results from a C to G substitution at nucleotide position 1004. The proline at codon 335 is replaced by arginine, an amino acid with dissimilar properties. This amino acid position is highly conserved in available vertebrate species. In addition, the in silico prediction for this alteration is inconclusive. Since supporting evidence is limited at this time, the clinical significance of this alteration remains unclear.

NM_024529.5(CDC73):c.1004C>G (p.Pro335Arg)

Gene: CDC73 (cell division cycle 73; plus strand). Cytogenetic location: 1q31.2.
Variant type: single nucleotide variant.
Coding change: c.1004C>G on transcript NM_024529.5 (MANE Select); coding-DNA position 1004, C replaced by G.
Protein change: p.Pro335Arg; replaces proline 335 with arginine.
Molecular consequence: missense variant.
Genome position (GRCh38, 1-based): chr1:193,203,826, C>G. VCF-style: chr1-193203826-C-G. GRCh37 (hg19) VCF-style: chr1-193172956-C-G.
Other names: short protein forms P335R.
Identifiers: ClinVar variation 652321 (VCV000652321.14), dbSNP rs1476163101, ClinGen allele CA344076142.
Genomic context (GRCh38, chr1:193,203,826, plus strand): 5'-CTTATATATCAATTCTTATTCTTTTAAAGGAGGGTGCATCTGCCCGGAAGACTCAGACTC[C>G]TGCAGCCCAGCCAGTACCAAGACCAGGTAGAAATATAGAACTTTGCTTTTTGTTTTCTTT-3'
Protein context (NP_078805.3, residues 325-345): EGASARKTQT[Pro335Arg]AAQPVPRPVS